The following is an entry in ClinVar:

ClinVar aggregate classification (germline): Uncertain significance. Review status: criteria provided, multiple submitters, no conflicts (2 of 4 stars). 2 submissions from 2 submitters: Uncertain significance (2). Last evaluated 2026-01-09.

Conditions:
Hereditary cancer-predisposing syndrome. Also called: Tumor predisposition; Neoplastic Syndromes, Hereditary; Hereditary Cancer Syndrome; Hereditary neoplastic syndrome. Identifiers: Orphanet 140162, MedGen C0027672, MeSH D009386, MONDO:0015356.

Allele frequency attached by ClinVar (database versions not stated): gnomAD exomes below 0.00001.
gnomAD v4.1: 1 of 1,614,008 alleles (0.000062%); highest among the groups gnomAD compares: Non-Finnish European, 0.000085%; no homozygotes.

Submissions (2):

Ambry Genetics
Classification: Uncertain significance for Hereditary cancer-predisposing syndrome. Last evaluated: 2026-01-09. Review status: criteria provided, single submitter. Criteria: Ambry Variant Classification Scheme 2023. Collection method: clinical testing. Allele origin: germline.
Comment: The p.H422R variant (also known as c.1265A>G), located in coding exon 13 of the POLE gene, results from an A to G substitution at nucleotide position 1265. The histidine at codon 422 is replaced by arginine, an amino acid with highly similar properties. This amino acid position is highly conserved in available vertebrate species. In addition, the in silico prediction for this alteration is inconclusive. Based on the available evidence, the clinical significance of this variant remains unclear.

Labcorp Genetics (formerly Invitae), Labcorp
Classification: Uncertain significance. Last evaluated: 2025-08-24. Review status: criteria provided, single submitter. Criteria: Invitae Variant Classification Sherloc (09022015). Collection method: clinical testing. Allele origin: germline.
Comment: This sequence change replaces histidine, which is basic and polar, with arginine, which is basic and polar, at codon 422 of the POLE protein (p.His422Arg). This variant is not present in population databases (gnomAD no frequency). This variant has not been reported in the literature in individuals affected with POLE-related conditions. ClinVar contains an entry for this variant (Variation ID: 818736). Invitae Evidence Modeling of protein sequence and biophysical properties (such as structural, functional, and spatial information, amino acid conservation, physicochemical variation, residue mobility, and thermodynamic stability) indicates that this missense variant is not expected to disrupt POLE protein function with a negative predictive value of 80%. In summary, the available evidence is currently insufficient to determine the role of this variant in disease. Therefore, it has been classified as a Variant of Uncertain Significance.

NM_006231.4(POLE):c.1265A>G (p.His422Arg)

Gene: POLE (DNA polymerase epsilon, catalytic subunit; minus strand). Cytogenetic location: 12q24.33.
Variant type: single nucleotide variant.
Coding change: c.1265A>G on transcript NM_006231.4 (MANE Select); coding-DNA position 1265, A replaced by G.
Protein change: p.His422Arg; replaces histidine 422 with arginine.
Molecular consequence: missense variant.
Genome position (GRCh38, 1-based): chr12:132,673,669, T>C on the plus strand (A>G on the coding strand, the complement: POLE is on the minus strand). VCF-style: chr12-132673669-T-C. GRCh37 (hg19) VCF-style: chr12-133250255-T-C.
Other names: short protein forms H422R.
Identifiers: ClinVar variation 818736 (VCV000818736.14), dbSNP rs1222137844, ClinGen allele CA387359569.